The following is an entry in ClinVar:

NM_018139.3(DNAAF2):c.2381C>T (p.Thr794Met)

Gene: DNAAF2 (dynein axonemal assembly factor 2; minus strand). Cytogenetic location: 14q21.3.
Variant type: single nucleotide variant.
Coding change: c.2381C>T on transcript NM_018139.3 (MANE Select); coding-DNA position 2381, C replaced by T.
Protein change: p.Thr794Met; replaces threonine 794 with methionine.
Molecular consequence: missense variant.
Genome position (GRCh38, 1-based): chr14:49,625,675, G>A on the plus strand (C>T on the coding strand, the complement: DNAAF2 is on the minus strand). VCF-style: chr14-49625675-G-A. GRCh37 (hg19) VCF-style: chr14-50092393-G-A.
Other names: c.2237C>T, p.Thr746Met (NM_001083908.2); c.170C>T, p.Thr57Met (NM_001378453.1); short protein forms T794M, T746M, T57M.
Identifiers: ClinVar variation 313276 (VCV000313276.11), dbSNP rs185361306, ClinGen allele CA7172710.

ClinVar aggregate classification (germline): Uncertain significance. Review status: criteria provided, multiple submitters, no conflicts (2 of 4 stars). 2 submissions from 2 submitters: Uncertain significance (2). Last evaluated 2021-08-13.

Conditions:
Primary ciliary dyskinesia 10. Also called: CILIARY DYSKINESIA, PRIMARY, 10, WITH OR WITHOUT SITUS INVERSUS. Identifiers: Orphanet 244, MedGen C2675867, MONDO:0012918, OMIM 612518.
Primary ciliary dyskinesia. Also called: Ciliary dyskinesia. Identifiers: Orphanet 244, MedGen C0008780, MONDO:0016575, HP:0012265.

Allele frequency attached by ClinVar (database versions not stated): gnomAD exomes 0.00002 and 0.00007; gnomAD 0.00003; TOPMed 0.00003; ExAC 0.00009; 1000 Genomes Project 0.00020; 1000 Genomes Project 30x 0.00031.
gnomAD v4.1: 32 of 1,613,684 alleles (0.002%); highest among the groups gnomAD compares: East Asian, 0.042%; no homozygotes.

Submissions (2):

Labcorp Genetics (formerly Invitae), Labcorp
Classification: Uncertain significance for Primary ciliary dyskinesia. Last evaluated: 2021-08-13. Review status: criteria provided, single submitter. Criteria: Invitae Variant Classification Sherloc (09022015). Collection method: clinical testing. Allele origin: germline.
Comment: This sequence change replaces threonine with methionine at codon 794 of the DNAAF2 protein (p.Thr794Met). The threonine residue is moderately conserved and there is a moderate physicochemical difference between threonine and methionine. This variant is present in population databases (rs185361306, ExAC 0.08%). This variant has not been reported in the literature in individuals affected with DNAAF2-related conditions. ClinVar contains an entry for this variant (Variation ID: 313276). Algorithms developed to predict the effect of missense changes on protein structure and function are either unavailable or do not agree on the potential impact of this missense change (SIFT: "Deleterious"; PolyPhen-2: "Benign"; Align-GVGD: "Class C0"). In summary, the available evidence is currently insufficient to determine the role of this variant in disease. Therefore, it has been classified as a Variant of Uncertain Significance.

Illumina Laboratory Services, Illumina
Classification: Uncertain significance for Primary ciliary dyskinesia 10. Last evaluated: 2018-01-12. Review status: criteria provided, single submitter. Criteria: ICSL Variant Classification Criteria 13 December 2019. Collection method: clinical testing. Allele origin: germline.